The following is an entry in ClinVar:

NM_000535.7(PMS2):c.1441C>T (p.Pro481Ser)

Gene: PMS2 (PMS1 homolog 2, mismatch repair system component; minus strand). Cytogenetic location: 7p22.1.
Variant type: single nucleotide variant.
Coding change: c.1441C>T on transcript NM_000535.7 (MANE Select); coding-DNA position 1441, C replaced by T.
Protein change: p.Pro481Ser; replaces proline 481 with serine.
Molecular consequence: missense variant. On other transcripts: non-coding transcript variant (1), intron variant (1).
Genome position (GRCh38, 1-based): chr7:5,987,324, G>A on the plus strand (C>T on the coding strand, the complement: PMS2 is on the minus strand). VCF-style: chr7-5987324-G-A. GRCh37 (hg19) VCF-style: chr7-6026955-G-A.
Other names: c.1036C>T, p.Pro346Ser (NM_001322003.2, NM_001322004.2, NM_001322005.2 and 16 more transcripts); c.1285C>T, p.Pro429Ser (NM_001322006.2, NM_001406870.1); c.1123C>T, p.Pro375Ser (NM_001322007.2, NM_001322008.2, NM_001406876.1 and 2 more transcripts); c.880C>T, p.Pro294Ser (NM_001322010.2, NM_001406906.1, NM_001406907.1); c.1441C>T, p.Pro481Ser (NM_001406872.1, NM_001322014.2, NM_001406871.1); c.1243C>T, p.Pro415Ser (NM_001406873.1); c.1273C>T, p.Pro425Ser (NM_001406874.1); c.1132C>T, p.Pro378Ser (NM_001406875.1, NM_001406877.1, NM_001406878.1 and 5 more transcripts); and 13 more; short protein forms P326S, P369S, P481S, P310S, P346S, P445S, P170S, P224S.
Identifiers: ClinVar variation 3421494 (VCV003421494.3).

ClinVar aggregate classification (germline): Conflicting classifications of pathogenicity. Review status: criteria provided, conflicting classifications (1 of 4 stars). 2 submissions from 2 submitters: Uncertain significance (1); Likely benign (1). Last evaluated 2026-08-13.

Conditions:
Hereditary cancer-predisposing syndrome. Also called: Tumor predisposition; Hereditary Cancer Syndrome; Hereditary neoplastic syndrome; Neoplastic Syndromes, Hereditary. Identifiers: Orphanet 140162, MedGen C0027672, MeSH D009386, MONDO:0015356.

Submissions (2):

Ambry Genetics
Classification: Likely benign for Hereditary cancer-predisposing syndrome. Last evaluated: 2026-08-13. Review status: criteria provided, single submitter. Criteria: Ambry Variant Classification Scheme 2023. Collection method: clinical testing. Allele origin: germline.

Color Diagnostics, LLC DBA Color Health
Classification: Uncertain significance for Hereditary cancer-predisposing syndrome. Last evaluated: 2025-07-14. Review status: criteria provided, single submitter. Criteria: ACMG Guidelines, 2015. Collection method: clinical testing. Allele origin: germline.
Comment: This missense variant replaces proline with serine at codon 481 of the PMS2 protein. Computational prediction suggests that this variant may not impact protein structure and function. To our knowledge, functional studies have not been reported for this variant. This variant has not been reported in individuals affected with PMS2-related disorders in the literature. This variant has not been identified in the general population by the Genome Aggregation Database (gnomAD). The available evidence is insufficient to determine the role of this variant in disease conclusively. Therefore, this variant is classified as a Variant of Uncertain Significance.